The following is an entry in ClinVar:

ClinVar aggregate classification (germline): Uncertain significance (1 of 4 stars; one submission).

Conditions:
PLEC-related disorder. Also called: PLEC-related condition; PLEC-related disorders.

gnomAD v4.1: 23 of 1,612,034 alleles (0.0014%); highest among the groups gnomAD compares: Non-Finnish European, 0.0018%; no homozygotes.

Submission:

PreventionGenetics, part of Exact Sciences
Classification: Uncertain significance for PLEC-related condition. Last evaluated: 2026-02-10. Review status: criteria provided, single submitter. Criteria: ACMG Guidelines, 2015. Collection method: clinical testing. Allele origin: germline.
Comment: The PLEC c.22G>A variant is predicted to result in the amino acid substitution p.Val8Met. This variant is intronic in an alternative transcript NM_000445:c.194-748G>A. To our knowledge, this variant has not been reported in the literature. This variant is reported in 0.0056% of alleles in individuals of East Asian descent in gnomAD. At this time, the clinical significance of this variant is uncertain due to the absence of conclusive functional and genetic evidence.

NM_201384.3(PLEC):c.22G>A (p.Val8Met)

Genes: PLEC (plectin; minus strand), LOC130001338 (ATAC-STARR-seq lymphoblastoid active region 28078; plus strand). Cytogenetic location: 8q24.3.
Variant type: single nucleotide variant.
Coding change: c.22G>A on transcript NM_201384.3 (MANE Select); coding-DNA position 22, G replaced by A.
Protein change: p.Val8Met; replaces valine 8 with methionine.
Molecular consequence: missense variant. On other transcripts: intron variant (8).
Genome position (GRCh38, 1-based): chr8:143,939,440, C>T on the plus strand (G>A on the coding strand, the complement: PLEC is on the minus strand). VCF-style: chr8-143939440-C-T. GRCh37 (hg19) VCF-style: chr8-145013608-C-T.
Other names: c.194-748G>A (NM_001410941.1, NM_000445.5); c.71-748G>A (NM_201378.4); c.47-748G>A (NM_201379.3); c.524-748G>A (NM_201380.4); c.17-748G>A (NM_201381.3); c.113-748G>A (NM_201382.4); c.125-748G>A (NM_201383.3); short protein forms V8M.
Identifiers: ClinVar variation 4979655 (VCV004979655.1).